The following is an entry in ClinVar:

ClinVar aggregate classification (germline): Benign/Likely benign. Review status: criteria provided, multiple submitters, no conflicts (2 of 4 stars). 6 submissions from 6 submitters: Benign (1); Likely benign (4). 1 of the submissions does not count toward it. Last evaluated 2026-09-21.

Conditions:
TTN-related disorder. Also called: TTN-related disorders; TTN-related condition; TTN-related disease.

Allele frequency attached by ClinVar (database versions not stated): TOPMed 0.00005; gnomAD 0.00021; gnomAD exomes 0.00039 and 0.00086; 1000 Genomes Project 30x 0.00078; ExAC 0.00082; 1000 Genomes Project 0.00100.
gnomAD v4.1: 625 of 1,613,146 alleles (0.039%); highest among the groups gnomAD compares: South Asian, 0.61%; 11 homozygotes.

Submissions (6):

Molecular Diagnostic Laboratory for Inherited Cardiovascular Disease, Montreal Heart Institute
Classification: Benign. Last evaluated: 2026-09-21. Review status: criteria provided, single submitter. Criteria: ACMG Guidelines, 2015. Collection method: clinical testing. Allele origin: germline. Affected: no.

CeGaT Center for Human Genetics Tuebingen
Classification: Likely benign. Last evaluated: 2025-11-01. Review status: criteria provided, single submitter. Criteria: CeGaT Center For Human Genetics Tuebingen Variant Classification Criteria Version 2. Collection method: clinical testing. Allele origin: germline. Affected: yes. Observed: 2 variant alleles.
Comment: TTN: BP4, BP7

ARUP Laboratories, Molecular Genetics and Genomics, ARUP Laboratories
Classification: Likely benign. Last evaluated: 2025-06-02. Review status: criteria provided, single submitter. Criteria: ARUP Molecular Germline Variant Investigation Process 2024. Collection method: clinical testing. Allele origin: germline.

Blueprint Genetics
Classification: Likely benign. Last evaluated: 2024-09-18. Review status: criteria provided, single submitter. Criteria: ACMG Guidelines, 2015. Collection method: clinical testing. Allele origin: germline.

GeneDx
Classification: Likely benign. Last evaluated: 2019-09-04. Review status: criteria provided, single submitter. Criteria: GeneDx Variant Classification Process June 2021. Collection method: clinical testing. Allele origin: germline. Affected: yes.

PreventionGenetics, part of Exact Sciences
Classification: Likely benign for TTN-related condition. Last evaluated: 2023-12-29. Review status: no assertion criteria provided. Collection method: clinical testing. Allele origin: germline. Not counted in ClinVar's aggregate classification.
Comment: This variant is classified as likely benign based on ACMG/AMP sequence variant interpretation guidelines (Richards et al. 2015 PMID: 25741868, with internal and published modifications).

NM_133379.5(TTN):c.12990A>G (p.Arg4330=)

Gene: TTN (titin; minus strand). Cytogenetic location: 2q31.2.
Variant type: single nucleotide variant.
Coding change: c.12990A>G on transcript NM_133379.5; coding-DNA position 12990, A replaced by G.
Protein change: p.Arg4330=; no amino-acid change (arginine 4330 retained).
Molecular consequence: synonymous variant. On other transcripts: intron variant (6).
Genome position (GRCh38, 1-based): chr2:178,749,410, T>C on the plus strand (A>G on the coding strand, the complement: TTN is on the minus strand). VCF-style: chr2-178749410-T-C. GRCh37 (hg19) VCF-style: chr2-179614137-T-C.
Other names: c.10222+3714A>G (NM_003319.4); c.10798+3714A>G (NM_133437.4); c.10597+3714A>G (NM_133432.3); c.10360+3714A>G (NM_133378.4, NM_001256850.1); c.11311+3714A>G (NM_001267550.2); c.12990A>G (NM_133379.4).
Identifiers: ClinVar variation 1292508 (VCV001292508.13), dbSNP rs544542600, ClinGen allele CA2003473.